The following is an entry in ClinVar:

ClinVar aggregate classification (germline): Likely benign. Review status: criteria provided, single submitter (1 of 4 stars). 2 submissions from 2 submitters: Likely benign (1). 1 of the submissions does not count toward it. Last evaluated 2024-09-15.

Conditions:
OTOG-related disorder. Also called: OTOG-related condition.

Allele frequency attached by ClinVar (database versions not stated): gnomAD 0.00001; gnomAD exomes 0.00002; ExAC 0.00006.
gnomAD v4.1: 35 of 1,550,406 alleles (0.0023%); highest among the groups gnomAD compares: Middle Eastern, 0.017%; no homozygotes.

Submissions (2):

Labcorp Genetics (formerly Invitae), Labcorp
Classification: Likely benign. Last evaluated: 2024-09-15. Review status: criteria provided, single submitter. Criteria: Invitae Variant Classification Sherloc (09022015). Collection method: clinical testing. Allele origin: germline.

PreventionGenetics, part of Exact Sciences
Classification: Likely benign for OTOG-related condition. Last evaluated: 2019-03-18. Review status: no assertion criteria provided. Collection method: clinical testing. Allele origin: germline. Not counted in ClinVar's aggregate classification.
Comment: This variant is classified as likely benign based on ACMG/AMP sequence variant interpretation guidelines (Richards et al. 2015 PMID: 25741868, with internal and published modifications).

NM_001292063.2(OTOG):c.5829G>A (p.Thr1943=)

Gene: OTOG (otogelin; plus strand). Cytogenetic location: 11p15.1.
Variant type: single nucleotide variant.
Coding change: c.5829G>A on transcript NM_001292063.2 (MANE Select); coding-DNA position 5829, G replaced by A.
Protein change: p.Thr1943=; no amino-acid change (threonine 1943 retained).
Molecular consequence: synonymous variant.
Genome position (GRCh38, 1-based): chr11:17,611,129, G>A. VCF-style: chr11-17611129-G-A. GRCh37 (hg19) VCF-style: chr11-17632676-G-A.
Other names: c.5865G>A, p.Thr1955= (NM_001277269.2).
Identifiers: ClinVar variation 3057383 (VCV003057383.4), dbSNP rs773442273, ClinGen allele CA5905957.